The following is an entry in ClinVar:

NM_000088.4(COL1A1):c.824G>T (p.Gly275Val)

Genes: COL1A1 (collagen type I alpha 1 chain; minus strand), LOC126862586 (CDK7 strongly-dependent group 2 enhancer GRCh37_chr17:48273702-48274901; plus strand). Cytogenetic location: 17q21.33.
Variant type: single nucleotide variant.
Coding change: c.824G>T on transcript NM_000088.4 (MANE Select); coding-DNA position 824, G replaced by T.
Protein change: p.Gly275Val; replaces glycine 275 with valine.
Molecular consequence: missense variant.
Genome position (GRCh38, 1-based): chr17:50,196,651, C>A on the plus strand (G>T on the coding strand, the complement: COL1A1 is on the minus strand). VCF-style: chr17-50196651-C-A. GRCh37 (hg19) VCF-style: chr17-48274012-C-A.
Other names: short protein forms G275V.
Identifiers: ClinVar variation 3383401 (VCV003383401.4).

ClinVar aggregate classification (germline): Pathogenic/Likely pathogenic. Review status: criteria provided, multiple submitters, no conflicts (2 of 4 stars). 3 submissions from 3 submitters: Pathogenic (2); Likely pathogenic (1). Last evaluated 2025-09-20.

Conditions:
COL1A1-related disorder. Also called: COL1A1- related disease; COL1A1-related condition.
Osteogenesis imperfecta type I (OI1). Also called: OI, TYPE I; OSTEOGENESIS IMPERFECTA TARDA; OSTEOGENESIS IMPERFECTA WITH BLUE SCLERAE; Osteogenesis imperfecta type 1; Lobstein's Disease; Lobstein disease. Identifiers: Orphanet 216796, Orphanet 666, MedGen C0023931, MONDO:0008146, OMIM 166200. Disease mechanism: loss of function.

Submissions (3):

Labcorp Genetics (formerly Invitae), Labcorp
Classification: Pathogenic for Osteogenesis imperfecta type I. Last evaluated: 2025-09-20. Review status: criteria provided, single submitter. Criteria: Invitae Variant Classification Sherloc (09022015). Collection method: clinical testing. Allele origin: germline.
Comment: This sequence change replaces glycine, which is neutral and non-polar, with valine, which is neutral and non-polar, at codon 275 of the COL1A1 protein (p.Gly275Val). This variant is not present in population databases (gnomAD no frequency). This variant has not been reported in the literature in individuals affected with COL1A1-related conditions. ClinVar contains an entry for this variant (Variation ID: 3383401). Invitae Evidence Modeling of protein sequence and biophysical properties (such as structural, functional, and spatial information, amino acid conservation, physicochemical variation, residue mobility, and thermodynamic stability) indicates that this missense variant is expected to disrupt COL1A1 protein function with a positive predictive value of 95%. This variant disrupts the triple helix domain of COL1A1. Glycine residues within the Gly-Xaa-Yaa repeats of the triple helix domain are required for the structure and stability of fibrillar collagens (PMID: 7695699, 8218237, 19344236). In COL1A1, variants affecting these glycine residues are significantly enriched in individuals with disease (PMID: 9016532, 17078022) compared to the general population (ExAC). This variant disrupts the p.Gly275 amino acid residue in COL1A1. Other variant(s) that disrupt this residue have been observed in individuals with COL1A1-related conditions (PMID: 17078022, 27509835, 30715774, 35154279, 37270749), which suggests that this may be a clinically significant amino acid residue. For these reasons, this variant has been classified as Pathogenic.

Centre of Medical Genetics, University Hospital Muenster
Classification: Pathogenic. Last evaluated: 2023-05-31. Review status: criteria provided, single submitter. Criteria: ACMG Guidelines, 2015. Collection method: clinical testing. Allele origin: de novo. Affected: yes. Observed: 1 variant allele, 1 heterozygote.
Comment: ACMG categories: PS2,PM1,PM2,PM5

Blueprint Genetics
Classification: Likely pathogenic for COL1A1-related disorders. Last evaluated: 2020-04-30. Review status: criteria provided, single submitter. Criteria: ACMG Guidelines, 2015. Collection method: clinical testing. Allele origin: germline. Affected: yes. Observed: 1 variant allele.

Literature cited by the submitters: PubMed 7695699 (cited by Labcorp Genetics (formerly Invitae), Labcorp); PubMed 8218237 (cited by Labcorp Genetics (formerly Invitae), Labcorp); PubMed 19344236 (cited by Labcorp Genetics (formerly Invitae), Labcorp); PubMed 9016532 (cited by Labcorp Genetics (formerly Invitae), Labcorp); PubMed 17078022 (cited by Labcorp Genetics (formerly Invitae), Labcorp); PubMed 27509835 (cited by Labcorp Genetics (formerly Invitae), Labcorp); PubMed 30715774 (cited by Labcorp Genetics (formerly Invitae), Labcorp); PubMed 35154279 (cited by Labcorp Genetics (formerly Invitae), Labcorp); PubMed 37270749 (cited by Labcorp Genetics (formerly Invitae), Labcorp).